The following is an entry in ClinVar:

NM_001035.3(RYR2):c.471TTG[1] (p.Cys158del)

Gene: RYR2 (ryanodine receptor 2; plus strand). Cytogenetic location: 1q43.
Variant type: Microsatellite.
Coding change: c.471TTG[1] on transcript NM_001035.3 (MANE Select); one copy of the 3-base unit TTG starting at c.471; the reference has two copies in a row; one copy, 3 bases deleted.
Protein change: p.Cys158del; deletes cysteine 158.
Molecular consequence: inframe deletion.
Genome position (GRCh38, 1-based): chr1:237,377,333-237,377,335, TTG deleted; deleting any 3 consecutive bases within chr1:237,377,330-237,377,335 gives the same sequence; the position shown is the placement nearest the transcript's 3' end. VCF-style (leftmost placement, unchanged base first): chr1-237377329-CTTG-C. GRCh37 (hg19) VCF-style: chr1-237540629-CTTG-C.
Other names: short protein forms C158del.
Identifiers: ClinVar variation 1363465 (VCV001363465.9), dbSNP rs2149792684, ClinGen allele CA2580611239.

ClinVar aggregate classification (germline): Uncertain significance (1 of 4 stars; one submission).

Conditions:
Catecholaminergic polymorphic ventricular tachycardia 1. Also called: RYR2-Related Catecholaminergic Polymorphic Ventricular Tachycardia; VENTRICULAR TACHYCARDIA, CATECHOLAMINERGIC POLYMORPHIC, 1, WITH OR WITHOUT ATRIAL DYSFUNCTION AND/OR DILATED CARDIOMYOPATHY; VENTRICULAR TACHYCARDIA, STRESS-INDUCED POLYMORPHIC 1. Identifiers: Orphanet 3286, MedGen C1631597, MONDO:0011484, OMIM 604772.

Submission:

Labcorp Genetics (formerly Invitae), Labcorp
Classification: Uncertain significance for Catecholaminergic polymorphic ventricular tachycardia 1. Last evaluated: 2023-05-22. Review status: criteria provided, single submitter. Criteria: Invitae Variant Classification Sherloc (09022015). Collection method: clinical testing. Allele origin: germline.
Comment: This variant is not present in population databases (gnomAD no frequency). In summary, the available evidence is currently insufficient to determine the role of this variant in disease. Therefore, it has been classified as a Variant of Uncertain Significance. Experimental studies and prediction algorithms are not available or were not evaluated, and the functional significance of this variant is currently unknown. This variant has not been reported in the literature in individuals affected with RYR2-related conditions. This variant, c.474_476del, results in the deletion of 1 amino acid(s) of the RYR2 protein (p.Cys158del), but otherwise preserves the integrity of the reading frame.